The following is an entry in ClinVar:

ClinVar aggregate classification (germline): Uncertain significance. Review status: criteria provided, multiple submitters, no conflicts (2 of 4 stars). 2 submissions from 2 submitters: Uncertain significance (2). Last evaluated 2025-06-26.

Conditions:
Long QT syndrome (LQTS). Identifiers: MedGen C0023976, MeSH D008133, MONDO:0002442. Disease mechanism: loss of function. Inheritance: Various modes of inheritance.
Cardiac arrhythmia. Also called: Cardiac rhythm disease; Arrhythmia. Identifiers: MedGen C0003811, MONDO:0007263, HP:0011675.

gnomAD v4.1: 3 of 1,611,734 alleles (0.00019%); highest among the groups gnomAD compares: Non-Finnish European, 0.00017%; no homozygotes.

Submissions (2):

Color Diagnostics, LLC DBA Color Health
Classification: Uncertain significance for Cardiac arrhythmia. Last evaluated: 2025-06-26. Review status: criteria provided, single submitter. Criteria: ACMG Guidelines, 2015. Collection method: clinical testing. Allele origin: germline.
Comment: This missense variant replaces arginine with glycine at codon 195 of the KCNQ1 protein. This variant is located within the conserved cytoplasmic linker (a.a. 169-196) of the KCNQ1 protein. Rare non-truncating variants in this region have been shown to be significantly overrepresented in individuals with long QT syndrome (PMID: 32893267). Computational prediction suggests that this variant may have deleterious impact on protein structure and function. To our knowledge, functional studies have not been reported for this variant. This variant has not been reported in individuals affected with KCNQ1-related disorders in the literature. This variant has not been identified in the general population by the Genome Aggregation Database (gnomAD). The available evidence is insufficient to determine the role of this variant in disease conclusively. Therefore, this variant is classified as a Variant of Uncertain Significance.

Labcorp Genetics (formerly Invitae), Labcorp
Classification: Uncertain significance for Long QT syndrome. Last evaluated: 2023-09-08. Review status: criteria provided, single submitter. Criteria: Invitae Variant Classification Sherloc (09022015). Collection method: clinical testing. Allele origin: germline.
Comment: Advanced modeling of protein sequence and biophysical properties (such as structural, functional, and spatial information, amino acid conservation, physicochemical variation, residue mobility, and thermodynamic stability) performed at Invitae indicates that this missense variant is expected to disrupt KCNQ1 protein function. ClinVar contains an entry for this variant (Variation ID: 2143335). This variant has not been reported in the literature in individuals affected with KCNQ1-related conditions. This variant is not present in population databases (gnomAD no frequency). This sequence change replaces arginine, which is basic and polar, with glycine, which is neutral and non-polar, at codon 195 of the KCNQ1 protein (p.Arg195Gly). In summary, the available evidence is currently insufficient to determine the role of this variant in disease. Therefore, it has been classified as a Variant of Uncertain Significance.

Literature cited by the submitters: PubMed 32893267 (cited by Color Diagnostics, LLC DBA Color Health).

NM_000218.3(KCNQ1):c.583C>G (p.Arg195Gly)

Gene: KCNQ1 (potassium voltage-gated channel subfamily Q member 1; plus strand). Cytogenetic location: 11p15.5.
Variant type: single nucleotide variant.
Coding change: c.583C>G on transcript NM_000218.3 (MANE Select); coding-DNA position 583, C replaced by G.
Protein change: p.Arg195Gly; replaces arginine 195 with glycine.
Molecular consequence: missense variant.
Genome position (GRCh38, 1-based): chr11:2,570,733, C>G. VCF-style: chr11-2570733-C-G. GRCh37 (hg19) VCF-style: chr11-2591963-C-G.
Other names: c.583C>G, p.Arg195Gly (NM_001406836.1); c.313C>G, p.Arg105Gly (NM_001406837.1); c.202C>G, p.Arg68Gly (NM_181798.2); short protein forms R195G, R68G, R105G.
Identifiers: ClinVar variation 2143335 (VCV002143335.4), dbSNP rs150172393, ClinGen allele CA379130026.